The following is an entry in ClinVar:

ClinVar aggregate classification (germline): Uncertain significance (1 of 4 stars; one submission).

Submission:

Women's Health and Genetics/Laboratory Corporation of America, LabCorp
Classification: Uncertain significance. Last evaluated: 2024-06-07. Review status: criteria provided, single submitter. Criteria: LabCorp Variant Classification Summary - May 2015. Collection method: clinical testing. Allele origin: germline.
Comment: Variant summary: ATP7B c.2954G>A (p.Cys985Tyr) results in a non-conservative amino acid change in the encoded protein sequence. Five of five in-silico tools predict a damaging effect of the variant on protein function. The variant was absent in 249270 control chromosomes. c.2954G>A has been reported in the literature in individuals affected with Wilson Disease in either the compound heterozygous state or heterozygous without a second allele specified (Wiernicka_2013, Haas_1999, Kluska_2019, Pham_2017). These data indicate that the variant may be associated with disease. To our knowledge, no experimental evidence demonstrating an impact on protein function has been reported. The following publications have been ascertained in the context of this evaluation (PMID: 10447265, 30230192, 29321352, 23885147). No submitters have cited clinical-significance assessments for this variant to ClinVar. Based on the evidence outlined above, the variant was classified as VUS-possibly pathogenic.

Literature cited by the submitters: PubMed 10447265; PubMed 29321352; PubMed 23885147; PubMed 30230192.

NM_000053.4(ATP7B):c.2954G>A (p.Cys985Tyr)

Gene: ATP7B (ATPase copper transporting beta; minus strand). Cytogenetic location: 13q14.3.
Variant type: single nucleotide variant.
Coding change: c.2954G>A on transcript NM_000053.4 (MANE Select); coding-DNA position 2954, G replaced by A.
Protein change: p.Cys985Tyr; replaces cysteine 985 with tyrosine.
Molecular consequence: missense variant. On other transcripts: intron variant (6).
Genome position (GRCh38, 1-based): chr13:51,946,390, C>T on the plus strand (G>A on the coding strand, the complement: ATP7B is on the minus strand). VCF-style: chr13-51946390-C-T. GRCh37 (hg19) VCF-style: chr13-52520526-C-T.
Other names: c.2333G>A, p.Cys778Tyr (NM_001005918.3); c.2621G>A, p.Cys874Tyr (NM_001243182.2); c.2720G>A, p.Cys907Tyr (NM_001330578.2, NM_001406527.1, NM_001406528.1 and 1 more transcripts); c.2702G>A, p.Cys901Tyr (NM_001330579.2, NM_001406531.1, NM_001406532.1); c.2954G>A, p.Cys985Tyr (NM_001406511.1, NM_001406512.1, NM_001406513.1 and 2 more transcripts); c.2921G>A, p.Cys974Tyr (NM_001406514.1); c.2900G>A, p.Cys967Tyr (NM_001406515.1, NM_001406516.1); c.2858G>A, p.Cys953Tyr (NM_001406517.1, NM_001406518.1); and 18 more; short protein forms C555Y, C769Y, C778Y, C791Y, C823Y, C842Y, C869Y, C874Y.
Identifiers: ClinVar variation 3339680 (VCV003339680.1).
Genomic context (GRCh38, chr13:51,946,390, plus strand): 5'-TTCTGCGCGGCCACCCCGGTGCCCACCATGACAGCCGTGGGCGTGGCCAGCCCCAGGGAG[C>T]AGGGGCAGGCAATGCACAGCACCGTGATGGACGTCTGGAAAGCAAACCGGATGATCACCT-3'
Protein context (NP_000044.2, residues 975-995): SITVLCIACP[Cys985Tyr]SLGLATPTAV